The following is an entry in ClinVar:

ClinVar aggregate classification (germline): Conflicting classifications of pathogenicity. Review status: criteria provided, conflicting classifications (1 of 4 stars). 4 submissions from 4 submitters: Likely pathogenic (1); Uncertain significance (3). Last evaluated 2026-10-12.

Conditions:
Cardiomyopathy (CMYO). Also called: Cardiomyopathies. Identifiers: Orphanet 167848, MedGen C0878544, MONDO:0004994, HP:0001638. Inheritance: Various modes of inheritance.
Hypertrophic cardiomyopathy. Also called: HYPERTROPHIC MYOCARDIOPATHY. Identifiers: Orphanet 217569, MedGen C0007194, MeSH D002312, MONDO:0005045, HP:0001639.
Hypertrophic cardiomyopathy 4. Also called: Familial hypertrophic cardiomyopathy 4. Identifiers: MedGen C1861862, MONDO:0007268, OMIM 115197.

Submissions (4):

Petrovsky National Research Centre of Surgery, The Federal Agency for Scientific Organizations
Classification: Uncertain significance for Hypertrophic cardiomyopathy 4. Last evaluated: 2026-10-12. Review status: criteria provided, single submitter. Criteria: ACMG Guidelines, 2015. Collection method: clinical testing. Allele origin: germline. Inheritance: Autosomal dominant inheritance. Affected: yes. Observed: 1 variant allele, 1 heterozygote.
Comment: Clinvar contains 3 entries for this variant (VCV000181123.5). This variant is absent in The Genome Aggregation Database (gnomAD) v4.1.2 (date of access with 08-10-2026). Computational evidence supports a deleterious effect on the gene or gene product: REVEL score= 0.806>0 (PP3). In accordance with ACMG (2015) and ClinGen CEP Specifications to the ACMG/AMP Variant Interpretation Guidelines for MYBPC3 Version 1.0 (2024) criteria this variant is classified Uncertain significance (VUS) with following criteria selected: PM2_Supporting, PS4_Supporting, PP3.

All of Us Research Program, National Institutes of Health
Classification: Uncertain significance for Hypertrophic cardiomyopathy. Last evaluated: 2023-11-30. Review status: criteria provided, single submitter. Criteria: ACMG Guidelines, 2015. Collection method: clinical testing. Allele origin: germline. Inheritance: Autosomal dominant inheritance. Observed: 1 variant allele, 1 heterozygote.
Comment: This study involves interpretation of variants in research participants for the purpose of population health screening. Participant phenotype was not available at the time of variant classification. Additional details can be found in publication PMID: 35346344, PMCID: PMC8962531

Color Diagnostics, LLC DBA Color Health
Classification: Uncertain significance for Cardiomyopathy. Last evaluated: 2022-11-21. Review status: criteria provided, single submitter. Criteria: ACMG Guidelines, 2015. Collection method: clinical testing. Allele origin: germline.
Comment: This missense variant replaces alanine with glutamic acid at codon 562 of the MYBPC3 protein. Computational prediction suggests that this variant may have deleterious impact on protein structure and function (internally defined REVEL score threshold >= 0.7, PMID: 27666373). To our knowledge, functional studies have not been reported for this variant. This variant has not been reported in individuals affected with MYBPC3-related disorders in the literature. This variant has not been identified in the general population by the Genome Aggregation Database (gnomAD). The available evidence is insufficient to determine the role of this variant in disease conclusively. Therefore, this variant is classified as a Variant of Uncertain Significance.

GeneDx
Classification: Likely pathogenic. Last evaluated: 2012-01-20. Review status: criteria provided, single submitter. Criteria: GeneDx Variant Classification (06012015). Collection method: clinical testing. Allele origin: germline. Affected: yes.
Comment: This variant is denoted c.1685 C>A at the cDNA level or p.Ala562Glu (A562E) at the protein level. The Ala562Glu variant in the MYBPC3 gene has not been reported previously as a disease-causing mutation or as a benign polymorphism, to our knowledge. Ala562Glu is a non-conservative amino acid substitution of a neutral, non-polar Alanine with a negatively charged Glutamic acid at a residue that is conserved across species. In silico analysis predicts the Ala562Glu variant is probably damaging to protein structure or function. A mutation in a nearby codon (Cys566Arg) has been reported in association with cardiomyopathy, supporting the functional importance of this region of the protein. The NHLBI ESP Exome Variant Server reports Ala562Glu was not observed in approximately 5,000 samples from individuals of European and African American backgrounds, indicating it is not a common benign variant in these populations. Therefore, with the clinical and molecular information available at this time, we cannot unequivocally determine the clinical significance of the Ala562Glu variant in MYBPC3, although the evidence suggests it is likely disease-causing. The variant is found in HCM panel(s).

NM_000256.3(MYBPC3):c.1685C>A (p.Ala562Glu)

Gene: MYBPC3 (myosin binding protein C3; minus strand). Cytogenetic location: 11p11.2.
Variant type: single nucleotide variant.
Coding change: c.1685C>A on transcript NM_000256.3 (MANE Select); coding-DNA position 1685, C replaced by A.
Protein change: p.Ala562Glu; replaces alanine 562 with glutamic acid.
Molecular consequence: missense variant.
Genome position (GRCh38, 1-based): chr11:47,342,096, G>T on the plus strand (C>A on the coding strand, the complement: MYBPC3 is on the minus strand). VCF-style: chr11-47342096-G-T. GRCh37 (hg19) VCF-style: chr11-47363647-G-T.
Other names: p.A562E:GCG>GAG; p.Ala562Glu; c.1685C>A, p.Ala562Glu (LRG_386t1); short protein forms A562E.
Identifiers: ClinVar variation 181123 (VCV000181123.6), dbSNP rs730880694, ClinGen allele CA010925.
Genomic context (GRCh38, chr11:47,342,096, plus strand): 5'-TTCCCATTCTTCAGCCACACACCCCGAACATTCTCATCTGAGACCTCACATTTGAACACC[G>T]CCTGGTCCTTTGCGCCCACCATCAGGTCTGCGATGCTCTGGTACACCTCCAGCTTCTTTT-3'
Protein context (NP_000247.2, residues 552-572): ADLMVGAKDQ[Ala562Glu]VFKCEVSDEN